The following is an entry in ClinVar:

ClinVar aggregate classification (germline): Likely pathogenic (1 of 4 stars; one submission).

Conditions:
Cardiovascular phenotype. Identifiers: MedGen CN230736.

Submission:

Ambry Genetics
Classification: Likely pathogenic for Cardiovascular phenotype. Last evaluated: 2023-11-13. Review status: criteria provided, single submitter. Criteria: Ambry Variant Classification Scheme 2023. Collection method: clinical testing. Allele origin: germline.
Comment: The c.15533dupT variant, located in coding exon 59 of the TTN gene, results from a duplication of T at nucleotide position 15533, causing a translational frameshift with a predicted alternate stop codon (p.E5179Gfs*4). This exon is located in the I-band region of the N2-B isoform of the titin protein and is constitutively expressed in TTN transcripts (percent spliced in or PSI 100%). This variant is considered to be rare based on population cohorts in the Genome Aggregation Database (gnomAD). This alteration is expected to result in loss of function by premature protein truncation or nonsense-mediated mRNA decay. While truncating variants in TTN are present in 1-3% of the general population, truncating variants in the A-band are the most common cause of dilated cardiomyopathy (DCM) (Herman DS et al. N. Engl. J. Med., 2012 Feb;366:619-28; Roberts AM et al. Sci Transl Med, 2015 Jan;7:270ra6). TTN truncating variants encoded in constitutive exons (PSI >90%) have been found to be significantly associated with DCM regardless of their position in titin (Schafer S et al. Nat. Genet., 2017 01;49:46-53). Based on the majority of available evidence to date, this variant is likely to be pathogenic.

NM_001267550.2(TTN):c.42728dup (p.Glu14244fs)

Gene: TTN (titin; minus strand). Cytogenetic location: 2q31.2.
Variant type: Duplication.
Coding change: c.42728dup on transcript NM_001267550.2 (MANE Select); coding-DNA position 42728, one base duplicated (T; older notation c.42728dupT).
Protein change: p.Glu14244fs; shifts the reading frame from glutamic acid 14244.
Molecular consequence: frameshift variant.
Genome position (GRCh38, 1-based): chr2:178,633,631, A duplicated on the plus strand (T on the coding strand, the reverse complement: TTN is on the minus strand). VCF-style (leftmost placement, unchanged base first): chr2-178633630-C-CA. GRCh37 (hg19) VCF-style: chr2-179498357-C-CA.
Other names: c.37805dup, p.Glu12603fs (NM_001256850.1); c.15533dup, p.Glu5179fs (NM_003319.4); c.35024dup, p.Glu11676fs (NM_133378.4); c.15908dup, p.Glu5304fs (NM_133432.3); c.16109dup, p.Glu5371fs (NM_133437.4); c.15533dupT (NM_003319.4); short protein forms E11676fs, E12603fs, E14244fs, E5179fs, E5304fs, E5371fs.
Identifiers: ClinVar variation 3223198 (VCV003223198.1), dbSNP rs2471515346, ClinGen allele CA2825001041.